The following is an entry in ClinVar:

NM_020759.3(STARD9):c.8030G>A (p.Arg2677His)

Gene: STARD9 (StAR related lipid transfer domain containing 9; plus strand). Cytogenetic location: 15q15.2.
Variant type: single nucleotide variant.
Coding change: c.8030G>A on transcript NM_020759.3 (MANE Select); coding-DNA position 8030, G replaced by A.
Protein change: p.Arg2677His; replaces arginine 2677 with histidine.
Molecular consequence: missense variant.
Genome position (GRCh38, 1-based): chr15:42,689,608, G>A. VCF-style: chr15-42689608-G-A. GRCh37 (hg19) VCF-style: chr15-42981806-G-A.
Other names: short protein forms R2677H.
Identifiers: ClinVar variation 3059971 (VCV003059971.2), dbSNP rs8030587, ClinGen allele CA7514561.

ClinVar aggregate classification (germline): Benign (0 of 4 stars; one submission).

Conditions:
STARD9-related disorder. Also called: STARD9-related condition.

Allele frequency attached by ClinVar (database versions not stated): gnomAD exomes 0.23096; ExAC 0.37684; gnomAD 0.39085; ESP Exome Variant Server 0.39242; TOPMed 0.39868; 1000 Genomes Project 0.44609; 1000 Genomes Project 30x 0.45518.
gnomAD v4.1: 381,392 of 1,537,068 alleles (25%); highest among the groups gnomAD compares: African/African-American, 84%; 64,581 homozygotes.

Submission:

PreventionGenetics, part of Exact Sciences
Classification: Benign for STARD9-related condition. Last evaluated: 2019-10-21. Review status: no assertion criteria provided. Collection method: clinical testing. Allele origin: germline.
Comment: This variant is classified as benign based on ACMG/AMP sequence variant interpretation guidelines (Richards et al. 2015 PMID: 25741868, with internal and published modifications).